The following is an entry in ClinVar:

ClinVar aggregate classification (germline): Uncertain significance (1 of 4 stars; one submission).

Conditions:
Familial cancer of breast. Also called: Hereditary breast cancer; BREAST CANCER, FAMILIAL; hereditary breast carcinoma. Identifiers: Orphanet 227535, MedGen C0346153, MONDO:0016419, OMIM 114480. Disease mechanism: loss of function.

Submission:

Labcorp Genetics (formerly Invitae), Labcorp
Classification: Uncertain significance for Familial cancer of breast. Last evaluated: 2025-12-18. Review status: criteria provided, single submitter. Criteria: Invitae Variant Classification Sherloc (09022015). Collection method: clinical testing. Allele origin: germline.
Comment: This sequence change creates a premature translational stop signal (p.Ser1186*) in the PALB2 gene. While this is not anticipated to result in nonsense mediated decay, it is expected to disrupt the last 1 amino acid(s) of the PALB2 protein. This variant is not present in population databases (gnomAD no frequency). This variant has not been reported in the literature in individuals affected with PALB2-related conditions. ClinVar contains an entry for this variant (Variation ID: 1361226). In summary, the available evidence is currently insufficient to determine the role of this variant in disease. Therefore, it has been classified as a Variant of Uncertain Significance.

NM_024675.4(PALB2):c.3557C>G (p.Ser1186Ter)

Gene: PALB2 (partner and localizer of BRCA2; minus strand). Cytogenetic location: 16p12.2.
Variant type: single nucleotide variant.
Coding change: c.3557C>G on transcript NM_024675.4 (MANE Select); coding-DNA position 3557, C replaced by G.
Protein change: p.Ser1186Ter; replaces serine 1186 with a stop codon.
Molecular consequence: nonsense.
Genome position (GRCh38, 1-based): chr16:23,603,463, G>C on the plus strand (C>G on the coding strand, the complement: PALB2 is on the minus strand). VCF-style: chr16-23603463-G-C. GRCh37 (hg19) VCF-style: chr16-23614784-G-C.
Other names: short protein forms S1186*.
Identifiers: ClinVar variation 1361226 (VCV001361226.7), dbSNP rs2142250676, ClinGen allele CA395137593.
Genomic context (GRCh38, chr16:23,603,463, plus strand): 5'-AAAAATACTAAGAGGCCCAATATATCCAGAAAATTGTGTTTTCACTTTACCCTAACTTAT[G>C]AATAGTGGTATACAAATATATTTCCATCTTTTTGTCCAGCCAGCAAATGAGAGTCTGTAC-3'